The following is an entry in ClinVar:

ClinVar aggregate classification (germline): Benign/Likely benign. Review status: criteria provided, multiple submitters, no conflicts (2 of 4 stars). 25 submissions from 25 submitters: Benign (12); Likely benign (6). 7 of the submissions do not count toward it. Last evaluated 2026-02-03.

Conditions:
Breast and/or ovarian cancer. Identifiers: MedGen CN221562.
Hereditary cancer-predisposing syndrome. Also called: Tumor predisposition; Hereditary neoplastic syndrome; Neoplastic Syndromes, Hereditary; Hereditary Cancer Syndrome. Identifiers: Orphanet 140162, MedGen C0027672, MeSH D009386, MONDO:0015356.
Familial cancer of breast. Also called: Hereditary breast cancer; hereditary breast carcinoma; BREAST CANCER, FAMILIAL. Identifiers: Orphanet 227535, MedGen C0346153, MONDO:0016419, OMIM 114480. Disease mechanism: loss of function.
Ataxia-telangiectasia syndrome (AT). Also called: LOUIS-BAR SYNDROME; Ataxia-telangiectasia; Ataxia telangiectasia (A-T); Cerebello-oculocutaneous telangiectasia; Immunodeficiency with ataxia telangiectasia; Ataxia-telangiectasia, complementation group D. Identifiers: Orphanet 100, MedGen C0004135, MONDO:0008840, OMIM 208900.
Malignant tumor of breast. Also called: Malignant breast neoplasm; Cancer breast. Identifiers: MedGen C0006142, MONDO:0007254. Disease mechanism: loss of function.

Allele frequency attached by ClinVar (database versions not stated): gnomAD exomes 0.00070; ExAC 0.00087; gnomAD 0.00242 and 0.00265; ESP Exome Variant Server 0.00254; 1000 Genomes Project 30x 0.00297; 1000 Genomes Project 0.00300; TOPMed 0.00306.
gnomAD v4.1: 777 of 1,613,806 alleles (0.048%); highest among the groups gnomAD compares: African/African-American, 0.95%; 5 homozygotes.

Submissions (25):

Labcorp Genetics (formerly Invitae), Labcorp
Classification: Benign for Ataxia-telangiectasia syndrome. Last evaluated: 2026-02-03. Review status: criteria provided, single submitter. Criteria: Invitae Variant Classification Sherloc (09022015). Collection method: clinical testing. Allele origin: germline.

CeGaT Center for Human Genetics Tuebingen
Classification: Benign. Last evaluated: 2026-02-01. Review status: criteria provided, single submitter. Criteria: CeGaT Center For Human Genetics Tuebingen Variant Classification Criteria Version 2. Collection method: clinical testing. Allele origin: germline. Affected: yes. Observed: 2 variant alleles.
Comment: ATM: BP4, BS1, BS2

Center for Genomic Medicine, Rigshospitalet, Copenhagen University Hospital
Classification: Benign. Last evaluated: 2025-03-04. Review status: criteria provided, single submitter. Criteria: ACMG Guidelines, 2015. Collection method: clinical testing. Allele origin: germline.

Mayo Clinic Laboratories, Mayo Clinic
Classification: Benign. Last evaluated: 2024-12-19. Review status: criteria provided, single submitter. Criteria: ACMG Guidelines, 2015. Collection method: clinical testing. Allele origin: germline. Observed: 7 variant alleles.
Comment: BA1, BS1

Blueprint Genetics
Classification: Likely benign. Last evaluated: 2024-11-13. Review status: criteria provided, single submitter. Criteria: ACMG Guidelines, 2015. Collection method: clinical testing. Allele origin: germline.

ARUP Laboratories, Molecular Genetics and Genomics, ARUP Laboratories
Classification: Benign. Last evaluated: 2024-10-11. Review status: criteria provided, single submitter. Criteria: ARUP Molecular Germline Variant Investigation Process 2024. Collection method: clinical testing. Allele origin: germline.

Myriad Genetics, Inc.
Classification: Benign for Familial cancer of breast. Last evaluated: 2024-05-08. Review status: criteria provided, single submitter. Criteria: Myriad Autosomal Dominant, Autosomal Recessive and X-Linked Classification Criteria (2023). Collection method: clinical testing. Allele origin: unknown.
Comment: This variant is considered benign. This variant is strongly associated with less severe personal and family histories of cancer, typical for individuals without pathogenic variants in this gene [PMID: 25085752]. This variant has been observed at a population frequency that is significantly greater than expected given the associated disease prevalence and penetrance.

CHEO Genetics Diagnostic Laboratory, Children's Hospital of Eastern Ontario
Classification: Likely benign for Breast and/or ovarian cancer. Last evaluated: 2023-04-25. Review status: criteria provided, single submitter. Criteria: ACMG Guidelines, 2015. Collection method: clinical testing. Allele origin: germline.

Sema4
Classification: Benign for Hereditary cancer-predisposing syndrome. Last evaluated: 2020-09-09. Review status: criteria provided, single submitter. Criteria: Sema4 Curation Guidelines. Collection method: curation. Allele origin: germline.

Spanish ATM Cancer Susceptibility Variant Interpretation Working Group
Classification: Benign for Hereditary cancer-predisposing syndrome. Last evaluated: 2020-06-17. Review status: criteria provided, single submitter. Criteria: Feliubadaló L et al. (Clin Chem 2021). Collection method: clinical testing. Allele origin: germline. Affected: yes. Observed: 1 heterozygote.
Comment: The c.2362A>C p.(Ser788Arg) missense variant has an allele frequency of 0.00944 (0.94%, 223/23,614 alleles) in the African population of the gnomAD v2.1.1 non-cancer dataset. Therefore, this variant meets a stand-alone criterion to be classified as benign (BA1). Adapted ACMG/AMP rules applied as defined by the Spanish ATM working group: BA1 (PMID: 33280026).

Mendelics
Classification: Likely benign for Ataxia-telangiectasia syndrome. Last evaluated: 2019-05-28. Review status: criteria provided, single submitter. Criteria: Mendelics Assertion Criteria 2017. Collection method: clinical testing. Allele origin: unknown.

Ambry Genetics
Classification: Benign for Hereditary cancer-predisposing syndrome. Last evaluated: 2018-08-30. Review status: criteria provided, single submitter. Criteria: Ambry Variant Classification Scheme 2023. Collection method: clinical testing. Allele origin: germline.

Institute for Biomarker Research, Medical Diagnostic Laboratories, L.L.C.
Classification: Likely benign for Hereditary cancer-predisposing syndrome. Last evaluated: 2017-07-12. Review status: criteria provided, single submitter. Criteria: ACMG Guidelines, 2015. Collection method: clinical testing. Allele origin: germline.

Illumina Laboratory Services, Illumina
Classification: Likely benign for Ataxia-telangiectasia syndrome. Last evaluated: 2017-04-28. Review status: criteria provided, single submitter. Criteria: ICSL Variant Classification Criteria 13 December 2019. Collection method: clinical testing. Allele origin: germline.
Comment: This variant was observed as part of a predisposition screen in an ostensibly healthy population. A literature search was performed for the gene, cDNA change, and amino acid change (where applicable). Publications were found based on this search. The evidence from the literature, in combination with allele frequency data from public databases where available, was sufficient to determine this variant is unlikely to cause disease. Therefore, this variant is classified as likely benign.

Genetic Services Laboratory, University of Chicago
Classification: Likely benign. Last evaluated: 2016-11-23. Review status: criteria provided, single submitter. Criteria: ACMG Guidelines, 2015. Collection method: clinical testing. Allele origin: germline. Affected: no.

Color Diagnostics, LLC DBA Color Health
Classification: Benign for Hereditary cancer-predisposing syndrome. Last evaluated: 2015-10-23. Review status: criteria provided, single submitter. Criteria: ACMG Guidelines, 2015. Collection method: clinical testing. Allele origin: germline.

GeneDx
Classification: Benign. Last evaluated: 2015-05-26. Review status: criteria provided, single submitter. Criteria: GeneDx Variant Classification (06012015). Collection method: clinical testing. Allele origin: germline. Affected: yes.
Comment: This variant is considered likely benign or benign based on one or more of the following criteria: it is a conservative change, it occurs at a poorly conserved position in the protein, it is predicted to be benign by multiple in silico algorithms, and/or has population frequency not consistent with disease.

Eurofins Ntd Llc (ga)
Classification: Benign. Last evaluated: 2015-01-07. Review status: criteria provided, single submitter. Criteria: EGL Classification Definitions 2015. Collection method: clinical testing. Allele origin: germline. Observed: 2 variant alleles, 2 heterozygotes.

Natera, Inc.
Classification: Benign for Ataxia-telangiectasia. Last evaluated: 2020-09-16. Review status: no assertion criteria provided. Collection method: clinical testing. Allele origin: germline. Not counted in ClinVar's aggregate classification.

True Health Diagnostics
Classification: Likely benign for Hereditary cancer-predisposing syndrome. Last evaluated: 2017-10-26. Review status: no assertion criteria provided. Collection method: clinical testing. Allele origin: germline. Not counted in ClinVar's aggregate classification.

Counsyl
Classification: Likely benign for Ataxia-telangiectasia syndrome. Last evaluated: 2017-06-16. Review status: no assertion criteria provided. Collection method: clinical testing. Allele origin: unknown. Not counted in ClinVar's aggregate classification.

ITMI
No classification provided. Condition: AllHighlyPenetrant. Last evaluated: 2013-09-19. Review status: no classification provided. Collection method: reference population. Allele origin: germline. Not counted in ClinVar's aggregate classification.
Comment: Please see associated publication for description of ethnicities

Clinical Genetics DNA and cytogenetics Diagnostics Lab, Erasmus MC, Erasmus Medical Center
Classification: Likely benign. Review status: no assertion criteria provided. Collection method: clinical testing. Allele origin: germline. Affected: yes. Study: VKGL Data-share Consensus. Not counted in ClinVar's aggregate classification.

Clinical Genetics, Academic Medical Center
Classification: Likely benign. Review status: no assertion criteria provided. Collection method: clinical testing. Allele origin: germline. Affected: yes. Study: VKGL Data-share Consensus. Not counted in ClinVar's aggregate classification.

Department of Pathology and Laboratory Medicine, Sinai Health System
Classification: Likely benign for Malignant tumor of breast. Review status: no assertion criteria provided. Collection method: clinical testing. Allele origin: unknown. Affected: yes. Study: The Canadian Open Genetics Repository (COGR). Not counted in ClinVar's aggregate classification.
Comment: The ATM p.Ser788Arg variant was identified in 3 of 3974 proband chromosomes (frequency: 0.00075) from individuals or families with Lynch Syndrome, breast cancer and a general healthy ancestrally diverse cohort in a study of germline variation in cancer-susceptibility genes (Bodian 2014, Yurgelun 2015, Ianuzzi 2002). The variant was also identified in dbSNP (ID: rs641252) as â€šÃ„ÃºWith other alleleâ€šÃ„Ã¹ and ClinVar (4x as benign by Invitae, EGL Genetics, Color, GeneDx and 6x as likely benign by University of Chicago Genetic services, Institute for Biomarker, Counsyl, True Health Diagnostics) databases. The variant was not identified in GeneInsight-COGR, Cosmic, MutDB or LOVD 3.0, databases. The variant was identified in control databases in 242 of 276996 chromosomes (2 homozygous) at a frequency of 0.00087 increasing the likelihood this could be a low frequency variant (Genome Aggregation Database Feb 27, 2017). The variant was observed in the following populations: African in 230 of 24034 chromosomes (freq: 0.0095), Other in 2 of 6466 chromosomes (freq: 0.0003), Latino in 8 of 34420 chromosomes (freq: 0.0002), European Non-Finnish in 2 of 126668 chromosomes (freq: 0.000016), while the variant was not observed in the Ashkenazi Jewish, East Asian, European Finnish, or South Asian populations. The p.Ser788Arg residue is not conserved in mammals and four out of five computational analyses (PolyPhen-2, SIFT, AlignGVGD, BLOSUM, MutationTaster) do not suggest a high likelihood of impact to the protein; however, this information is not predictive enough to rule out pathogenicity. The variant occurs outside of the splicing consensus sequence and 1 of 4 in silico or computational prediction software programs (SpliceSiteFinder, MaxEntScan, NNSPLICE, GeneSplicer) predict a greater than 10% difference in splicing; this is not very predictive of pathogenicity. In summary, based on the above information the clinical significance of this variant cannot be determined with certainty at this time although we would lean towards a more benign role for this variant. This variant is classified as likely benign.

Literature cited by the submitters: PubMed 25085752 (cited by Myriad Genetics, Inc.); PubMed 24728327 (cited by 4 submitters); PubMed 17517479 (cited by Illumina Laboratory Services, Illumina); PubMed 11746755 (cited by Illumina Laboratory Services, Illumina); PubMed 17490827 (cited by Illumina Laboratory Services, Illumina); PubMed 25318351 (cited by Illumina Laboratory Services, Illumina); PubMed 22995991 (cited by Illumina Laboratory Services, Illumina and Eurofins Ntd Llc (ga)); PubMed 11849780 (cited by Illumina Laboratory Services, Illumina); PubMed 22529920 (cited by Eurofins Ntd Llc (ga)).

NM_000051.4(ATM):c.2362A>C (p.Ser788Arg)

Gene: ATM (ATM serine/threonine kinase; plus strand). Cytogenetic location: 11q22.3.
Variant type: single nucleotide variant.
Coding change: c.2362A>C on transcript NM_000051.4 (MANE Select); coding-DNA position 2362, A replaced by C.
Protein change: p.Ser788Arg; replaces serine 788 with arginine.
Molecular consequence: missense variant.
Genome position (GRCh38, 1-based): chr11:108,257,592, A>C. VCF-style: chr11-108257592-A-C. GRCh37 (hg19) VCF-style: chr11-108128319-A-C.
Other names: p.S788R:AGC>CGC; c.2362A>C, p.Ser788Arg (NM_001351834.2); short protein forms S788R.
Identifiers: ClinVar variation 127349 (VCV000127349.59), dbSNP rs641252, ClinGen allele CA151460.